The following is an entry in ClinVar:

ClinVar aggregate classification (germline): Uncertain significance (1 of 4 stars; one submission).

Conditions:
Alpha thalassemia-X-linked intellectual disability syndrome (ATRX). Also called: ATR-X syndrome; Alpha thalassemia mental retardation syndrome, nondeletion type, X-linked; XLMR hypotonic face syndrome; X-linked alpha-thalassemia-mental retardation syndrome; ALPHA-THALASSEMIA/IMPAIRED INTELLECTUAL DEVELOPMENT SYNDROME, X-LINKED; ALPHA-THALASSEMIA/MENTAL RETARDATION SYNDROME, X-LINKED. Identifiers: Orphanet 847, MedGen C1845055, MONDO:0010519, OMIM 301040.

Submission:

Labcorp Genetics (formerly Invitae), Labcorp
Classification: Uncertain significance for Alpha thalassemia-X-linked intellectual disability syndrome. Last evaluated: 2022-09-15. Review status: criteria provided, single submitter. Criteria: Invitae Variant Classification Sherloc (09022015). Collection method: clinical testing. Allele origin: germline.
Comment: This variant, c.4374_4391del, results in the deletion of 6 amino acid(s) of the ATRX protein (p.Glu1459_Glu1464del), but otherwise preserves the integrity of the reading frame. The frequency data for this variant in the population databases is considered unreliable, as metrics indicate poor data quality at this position in the gnomAD database. This variant has not been reported in the literature in individuals affected with ATRX-related conditions. Experimental studies and prediction algorithms are not available or were not evaluated, and the functional significance of this variant is currently unknown. In summary, the available evidence is currently insufficient to determine the role of this variant in disease. Therefore, it has been classified as a Variant of Uncertain Significance.

NM_000489.6(ATRX):c.4356GGAGGAAGAGGAGGAGGA[1] (p.Glu1459_Glu1464del)

Gene: ATRX (ATRX chromatin remodeler; minus strand). Cytogenetic location: Xq21.1.
Variant type: Microsatellite.
Coding change: c.4356GGAGGAAGAGGAGGAGGA[1] on transcript NM_000489.6 (MANE Select); one copy of the 18-base unit GGAGGAAGAGGAGGAGGA starting at c.4356; the reference has two copies in a row; one copy, 18 bases deleted.
Protein change: p.Glu1459_Glu1464del.
Molecular consequence: inframe deletion.
Genome position (GRCh38, 1-based): chrX:77,652,280-77,652,297, TCCTCCTCCTCTTCCTCC deleted on the plus strand (GGAGGAAGAGGAGGAGGA on the coding strand, the reverse complement: ATRX is on the minus strand); deleting any 18 consecutive bases within chrX:77,652,280-77,652,320 gives the same sequence; the position shown is the placement nearest the transcript's 3' end. VCF-style (leftmost placement, unchanged base first): chrX-77652279-TTCCTCCTCCTCTTCCTCC-T. GRCh37 (hg19) VCF-style: chrX-76907769-TTCCTCCTCCTCTTCCTCC-T.
Other names: c.4242GGAGGAAGAGGAGGAGGA[1], p.Glu1421_Glu1426del (NM_138270.5).
Identifiers: ClinVar variation 1351136 (VCV001351136.5), dbSNP rs782794214, ClinGen allele CA10457795.